The following is an entry in ClinVar:

ClinVar aggregate classification (germline): Uncertain significance (1 of 4 stars; one submission).

Conditions:
Gastrointestinal stromal tumor. Also called: Gastrointestinal stroma tumor; Gastrointestinal stromal tumor, somatic. Identifiers: Orphanet 44890, MedGen C0238198, MeSH D046152, MONDO:0011719, OMIM 606764, HP:0100723.

Submission:

Labcorp Genetics (formerly Invitae), Labcorp
Classification: Uncertain significance for Gastrointestinal stromal tumor. Last evaluated: 2025-01-06. Review status: criteria provided, single submitter. Criteria: Invitae Variant Classification Sherloc (09022015). Collection method: clinical testing. Allele origin: germline.
Comment: This sequence change replaces histidine, which is basic and polar, with tyrosine, which is neutral and polar, at codon 485 of the KIT protein (p.His485Tyr). This variant is not present in population databases (gnomAD no frequency). This variant has not been reported in the literature in individuals affected with KIT-related conditions. ClinVar contains an entry for this variant (Variation ID: 458872). An algorithm developed to predict the effect of missense changes on protein structure and function (PolyPhen-2) suggests that this variant is likely to be tolerated. In summary, the available evidence is currently insufficient to determine the role of this variant in disease. Therefore, it has been classified as a Variant of Uncertain Significance.

NM_000222.3(KIT):c.1453C>T (p.His485Tyr)

Gene: KIT (KIT proto-oncogene, receptor tyrosine kinase; plus strand). Cytogenetic location: 4q12.
Variant type: single nucleotide variant.
Coding change: c.1453C>T on transcript NM_000222.3 (MANE Select); coding-DNA position 1453, C replaced by T.
Protein change: p.His485Tyr; replaces histidine 485 with tyrosine.
Molecular consequence: missense variant.
Genome position (GRCh38, 1-based): chr4:54,725,963, C>T. VCF-style: chr4-54725963-C-T. GRCh37 (hg19) VCF-style: chr4-55592129-C-T.
Other names: c.1453C>T, p.His485Tyr (NM_001093772.2, NM_001385285.1, NM_001385286.1); c.1456C>T, p.His486Tyr (NM_001385284.1, NM_001385288.1, NM_001385290.1 and 1 more transcripts); short protein forms H485Y, H486Y.
Identifiers: ClinVar variation 458872 (VCV000458872.9), dbSNP rs1553891437, ClinGen allele CA356906431.